The following is an entry in ClinVar:

ClinVar aggregate classification (germline): Pathogenic (1 of 4 stars; one submission).

Conditions:
Neuromuscular disease caused by qualitative or quantitative defects of dystrophin. Also called: Qualitative or quantitative defects of dystrophin. Identifiers: Orphanet 207085, MedGen C5679787, MONDO:0016147.

Submission:

Women's Health and Genetics/Laboratory Corporation of America, LabCorp
Classification: Pathogenic for Neuromuscular disease caused by qualitative or quantitative defects of dystrophin. Last evaluated: 2025-03-06. Review status: criteria provided, single submitter. Criteria: LabCorp Variant Classification Summary - May 2015. Collection method: clinical testing. Allele origin: germline.
Comment: Variant summary: The variant involves the deletion of exons 45-51 in the DMD gene. A presumed nomenclature of c.(6438+1_6439-1)_(7542+1_7543-1)del has been designated for the purposes of this classification. This Copy Number Variant (CNV) is predicted to result in an in-frame deletion within this gene. The variant was absent in 16120 control chromosomes. c.(6438+1_6439-1)_(7542+1_7543-1)del has been reported in the literature in at least one hemizygous male affected with Duchenne muscular dystrophy (e.g. delGaudio_2008). A smaller in-frame deletion (exon 48-49 deletion (c.(6912+1_6913-1)_(7200+1_7201-1)del)) has been classified as Pathogenic by our lab, supporting a critical relevance of this region to DMD protein function. The following publication has been ascertained in the context of this evaluation (PMID: 18752307). ClinVar contains an entry for this variant (Variation ID: 872027, 1256410, 656844). Based on the evidence outlined above, the variant was classified as pathogenic.

Literature cited by the submitters: PubMed 18752307.

NC_000023.11:g.(31729749_31773959)_(31968515_32216915)del

Gene: DMD (dystrophin; minus strand). Cytogenetic location: Xp21.1.
Variant type: Deletion.
Identifiers: ClinVar variation 981955 (VCV000981955.2).